The following is an entry in ClinVar:

ClinVar aggregate classification (germline): Uncertain significance (1 of 4 stars; one submission).

Conditions:
Arrhythmogenic right ventricular dysplasia 13. Also called: Arrhythmogenic right ventricular dysplasia, familial, 13; ARRHYTHMOGENIC RIGHT VENTRICULAR CARDIOMYOPATHY 13. Identifiers: MedGen C3810138, MONDO:0000908, OMIM 615616.

Allele frequency attached by ClinVar (database versions not stated): TOPMed below 0.00001.

Submission:

Labcorp Genetics (formerly Invitae), Labcorp
Classification: Uncertain significance for Arrhythmogenic right ventricular dysplasia 13. Last evaluated: 2023-12-04. Review status: criteria provided, single submitter. Criteria: Invitae Variant Classification Sherloc (09022015). Collection method: clinical testing. Allele origin: germline.
Comment: This sequence change replaces cysteine, which is neutral and slightly polar, with tryptophan, which is neutral and slightly polar, at codon 456 of the CTNNA3 protein (p.Cys456Trp). This variant is not present in population databases (gnomAD no frequency). This variant has not been reported in the literature in individuals affected with CTNNA3-related conditions. Advanced modeling of protein sequence and biophysical properties (such as structural, functional, and spatial information, amino acid conservation, physicochemical variation, residue mobility, and thermodynamic stability) has been performed at Invitae for this missense variant, however the output from this modeling did not meet the statistical confidence thresholds required to predict the impact of this variant on CTNNA3 protein function. In summary, the available evidence is currently insufficient to determine the role of this variant in disease. Therefore, it has been classified as a Variant of Uncertain Significance.

NM_013266.4(CTNNA3):c.1368T>G (p.Cys456Trp)

Gene: CTNNA3 (catenin alpha 3; minus strand). Cytogenetic location: 10q21.3.
Variant type: single nucleotide variant.
Coding change: c.1368T>G on transcript NM_013266.4 (MANE Select); coding-DNA position 1368, T replaced by G.
Protein change: p.Cys456Trp; replaces cysteine 456 with tryptophan.
Molecular consequence: missense variant.
Genome position (GRCh38, 1-based): chr10:66,621,698, A>C on the plus strand (T>G on the coding strand, the complement: CTNNA3 is on the minus strand). VCF-style: chr10-66621698-A-C. GRCh37 (hg19) VCF-style: chr10-68381456-A-C.
Other names: c.1368T>G, p.Cys456Trp (NM_001127384.3); short protein forms C456W.
Identifiers: ClinVar variation 2996147 (VCV002996147.3), dbSNP rs1844756512, ClinGen allele CA377091558.